The following is an entry in ClinVar:

ClinVar aggregate classification (germline): Uncertain significance (1 of 4 stars; one submission).

Allele frequency attached by ClinVar (database versions not stated): gnomAD exomes 0.00001.
gnomAD v4.1: 7 of 1,613,624 alleles (0.00043%); highest among the groups gnomAD compares: Non-Finnish European, 0.00059%; no homozygotes.

Submission:

Labcorp Genetics (formerly Invitae), Labcorp
Classification: Uncertain significance. Last evaluated: 2025-05-11. Review status: criteria provided, single submitter. Criteria: Invitae Variant Classification Sherloc (09022015). Collection method: clinical testing. Allele origin: germline.
Comment: This sequence change replaces alanine, which is neutral and non-polar, with threonine, which is neutral and polar, at codon 25 of the ALPK1 protein (p.Ala25Thr). This variant is not present in population databases (gnomAD no frequency). This variant has not been reported in the literature in individuals affected with ALPK1-related conditions. ClinVar contains an entry for this variant (Variation ID: 1914927). An algorithm developed to predict the effect of missense changes on protein structure and function outputs the following: PolyPhen-2: "Benign". The threonine amino acid residue is found in multiple mammalian species, which suggests that this missense change does not adversely affect protein function. In summary, the available evidence is currently insufficient to determine the role of this variant in disease. Therefore, it has been classified as a Variant of Uncertain Significance.

NM_025144.4(ALPK1):c.73G>A (p.Ala25Thr)

Gene: ALPK1 (alpha kinase 1; plus strand). Cytogenetic location: 4q25.
Variant type: single nucleotide variant.
Coding change: c.73G>A on transcript NM_025144.4 (MANE Select); coding-DNA position 73, G replaced by A.
Protein change: p.Ala25Thr; replaces alanine 25 with threonine.
Molecular consequence: missense variant. On other transcripts: 5 prime UTR variant (1).
Genome position (GRCh38, 1-based): chr4:112,377,850, G>A. VCF-style: chr4-112377850-G-A. GRCh37 (hg19) VCF-style: chr4-113299006-G-A.
Other names: c.73G>A, p.Ala25Thr (NM_001102406.2); c.-7G>A (NM_001253884.2); short protein forms A25T.
Identifiers: ClinVar variation 1914927 (VCV001914927.5), dbSNP rs2476390394, ClinGen allele CA357987496.